The following is an entry in ClinVar:

NM_004595.5(SMS):c.161A>G (p.Lys54Arg)

Gene: SMS (spermine synthase; plus strand). Cytogenetic location: Xp22.11.
Variant type: single nucleotide variant.
Coding change: c.161A>G on transcript NM_004595.5 (MANE Select); coding-DNA position 161, A replaced by G.
Protein change: p.Lys54Arg; replaces lysine 54 with arginine.
Molecular consequence: missense variant.
Genome position (GRCh38, 1-based): chrX:21,967,307, A>G. VCF-style: chrX-21967307-A-G. GRCh37 (hg19) VCF-style: chrX-21985425-A-G.
Other names: c.161A>G, p.Lys54Arg (NM_001258423.2); short protein forms K54R.
Identifiers: ClinVar variation 3899009 (VCV003899009.1).

ClinVar aggregate classification (germline): Uncertain significance (1 of 4 stars; one submission).

Submission:

GeneDx
Classification: Uncertain significance. Last evaluated: 2024-11-08. Review status: criteria provided, single submitter. Criteria: GeneDx Variant Classification Process June 2021. Collection method: clinical testing. Allele origin: germline. Affected: yes.
Comment: Not observed at significant frequency in large population cohorts (gnomAD); In silico analysis indicates that this missense variant does not alter protein structure/function; Has not been previously published as pathogenic or benign to our knowledge